The following is an entry in ClinVar:

ClinVar aggregate classification (germline): Uncertain significance (1 of 4 stars; one submission).

Conditions:
Polycystic kidney disease 2 (PKD2). Also called: Polycystic Kidney Disease 2, Autosomal Dominant; POLYCYSTIC KIDNEY DISEASE 2 WITH OR WITHOUT POLYCYSTIC LIVER DISEASE; POLYCYSTIC KIDNEY DISEASE, ADULT, TYPE II. Identifiers: MedGen C2751306, MONDO:0013131, OMIM 613095.

Submission:

Juno Genomics, Hangzhou Juno Genomics, Inc
Classification: Uncertain significance for Polycystic kidney disease 2. Review status: criteria provided, single submitter. Criteria: ACMG Guidelines, 2015. Collection method: clinical testing. Allele origin: germline.
Comment: Absent from controls (or at extremely low frequency if recessive) in Genome Aggregation Database.

NM_000297.4(PKD2):c.814A>C (p.Thr272Pro)

Gene: PKD2 (polycystin 2, transient receptor potential cation channel; plus strand). Cytogenetic location: 4q22.1.
Variant type: single nucleotide variant.
Coding change: c.814A>C on transcript NM_000297.4 (MANE Select); coding-DNA position 814, A replaced by C.
Protein change: p.Thr272Pro; replaces threonine 272 with proline.
Molecular consequence: missense variant. On other transcripts: non-coding transcript variant (1).
Genome position (GRCh38, 1-based): chr4:88,036,324, A>C. VCF-style: chr4-88036324-A-C. GRCh37 (hg19) VCF-style: chr4-88957476-A-C.
Other names: c.814A>C, p.Thr272Pro (NM_001440544.1); short protein forms T272P.
Identifiers: ClinVar variation 5006806 (VCV005006806.2).